The following is an entry in ClinVar:

NM_003280.3(TNNC1):c.440G>A (p.Arg147His)

Gene: TNNC1 (troponin C1, slow skeletal and cardiac type; minus strand). Cytogenetic location: 3p21.1.
Variant type: single nucleotide variant.
Coding change: c.440G>A on transcript NM_003280.3 (MANE Select); coding-DNA position 440, G replaced by A.
Protein change: p.Arg147His; replaces arginine 147 with histidine.
Molecular consequence: missense variant.
Genome position (GRCh38, 1-based): chr3:52,451,405, C>T on the plus strand (G>A on the coding strand, the complement: TNNC1 is on the minus strand). VCF-style: chr3-52451405-C-T. GRCh37 (hg19) VCF-style: chr3-52485421-C-T.
Other names: short protein forms R147H.
Identifiers: ClinVar variation 949818 (VCV000949818.9), dbSNP rs769919235, ClinGen allele CA2438490.

ClinVar aggregate classification (germline): Uncertain significance. Review status: criteria provided, multiple submitters, no conflicts (2 of 4 stars). 2 submissions from 2 submitters: Uncertain significance (2). Last evaluated 2026-02-27.

Conditions:
Dilated cardiomyopathy 1Z (CMD1Z). Identifiers: Orphanet 154, MedGen C2678475, MONDO:0012745, OMIM 611879.
Hypertrophic cardiomyopathy 13. Also called: TNNC1-Related Familial Hypertrophic Cardiomyopathy. Identifiers: MedGen C2750472, MONDO:0013195, OMIM 613243.
Cardiovascular phenotype. Identifiers: MedGen CN230736.

Allele frequency attached by ClinVar (database versions not stated): gnomAD exomes below 0.00001; TOPMed below 0.00001; ExAC 0.00001.
gnomAD v4.1: 2 of 1,614,160 alleles (0.00012%); highest among the groups gnomAD compares: Non-Finnish European, 0.00017%; no homozygotes.

Submissions (2):

Ambry Genetics
Classification: Uncertain significance for Cardiovascular phenotype. Last evaluated: 2026-02-27. Review status: criteria provided, single submitter. Criteria: Ambry Variant Classification Scheme 2023. Collection method: clinical testing. Allele origin: germline.

Labcorp Genetics (formerly Invitae), Labcorp
Classification: Uncertain significance for Hypertrophic cardiomyopathy 13; Dilated cardiomyopathy 1Z. Last evaluated: 2025-02-12. Review status: criteria provided, single submitter. Criteria: Invitae Variant Classification Sherloc (09022015). Collection method: clinical testing. Allele origin: germline.
Comment: This sequence change replaces arginine, which is basic and polar, with histidine, which is basic and polar, at codon 147 of the TNNC1 protein (p.Arg147His). This variant is present in population databases (rs769919235, gnomAD 0.0009%). This variant has not been reported in the literature in individuals affected with TNNC1-related conditions. ClinVar contains an entry for this variant (Variation ID: 949818). An algorithm developed to predict the effect of missense changes on protein structure and function (PolyPhen-2) suggests that this variant is likely to be tolerated. In summary, the available evidence is currently insufficient to determine the role of this variant in disease. Therefore, it has been classified as a Variant of Uncertain Significance.